The following is an entry in ClinVar:

NC_000012.11:g.(?_56435951)_(56437938_?)dup

Gene: RPS26 (ribosomal protein S26; plus strand). Cytogenetic location: 12q13.2.
Variant type: Duplication.
Identifiers: ClinVar variation 1410010 (VCV001410010.3).

ClinVar aggregate classification (germline): Uncertain significance (1 of 4 stars; one submission).

Conditions:
Diamond-Blackfan anemia 10 (DBA10). Also called: RPS26-Related Diamond-Blackfan Anemia. Identifiers: Orphanet 124, MedGen C2750080, MONDO:0013217, OMIM 613309.

Submission:

Labcorp Genetics (formerly Invitae), Labcorp
Classification: Uncertain significance for Diamond-Blackfan anemia 10. Last evaluated: 2021-06-23. Review status: criteria provided, single submitter. Criteria: Invitae Variant Classification Sherloc (09022015). Collection method: clinical testing. Allele origin: germline.
Comment: A copy number gain of the genomic region encompassing the full coding sequence of the RPS26 gene has been identified. The boundaries of this event are unknown as they extend beyond the assayed region for this gene and therefore may encompass additional genes. As the precise location of this event is unknown, it may be in tandem or it may be located elsewhere in the genome. This variant has not been reported in the literature in individuals with RPS26-related conditions. Experimental studies and prediction algorithms are not available or were not evaluated, and the functional significance of this variant is currently unknown. In summary, the available evidence is currently insufficient to determine the role of this variant in disease. Therefore, it has been classified as a Variant of Uncertain Significance.